The following is an entry in ClinVar:

NM_006231.4(POLE):c.4180G>T (p.Val1394Phe)

Gene: POLE (DNA polymerase epsilon, catalytic subunit; minus strand). Cytogenetic location: 12q24.33.
Variant type: single nucleotide variant.
Coding change: c.4180G>T on transcript NM_006231.4 (MANE Select); coding-DNA position 4180, G replaced by T.
Protein change: p.Val1394Phe; replaces valine 1394 with phenylalanine.
Molecular consequence: missense variant.
Genome position (GRCh38, 1-based): chr12:132,643,947, C>A on the plus strand (G>T on the coding strand, the complement: POLE is on the minus strand). VCF-style: chr12-132643947-C-A. GRCh37 (hg19) VCF-style: chr12-133220533-C-A.
Other names: c.4180G>T (NM_006231.2); short protein forms V1394F.
Identifiers: ClinVar variation 864320 (VCV000864320.8), dbSNP rs559773751, ClinGen allele CA387382407.

ClinVar aggregate classification (germline): Uncertain significance. Review status: criteria provided, multiple submitters, no conflicts (2 of 4 stars). 2 submissions from 2 submitters: Uncertain significance (2). Last evaluated 2025-09-06.

Conditions:
Hereditary cancer-predisposing syndrome. Also called: Hereditary Cancer Syndrome; Tumor predisposition; Neoplastic Syndromes, Hereditary; Hereditary neoplastic syndrome. Identifiers: Orphanet 140162, MedGen C0027672, MeSH D009386, MONDO:0015356.

Allele frequency attached by ClinVar (database versions not stated): gnomAD 0.00001; TOPMed 0.00002.
gnomAD v4.1: 4 of 1,613,764 alleles (0.00025%); highest among the groups gnomAD compares: African/African-American, 0.0053%; no homozygotes.

Submissions (2):

Labcorp Genetics (formerly Invitae), Labcorp
Classification: Uncertain significance. Last evaluated: 2025-09-06. Review status: criteria provided, single submitter. Criteria: Invitae Variant Classification Sherloc (09022015). Collection method: clinical testing. Allele origin: germline.
Comment: This sequence change replaces valine, which is neutral and non-polar, with phenylalanine, which is neutral and non-polar, at codon 1394 of the POLE protein (p.Val1394Phe). This variant is not present in population databases (gnomAD no frequency). This variant has not been reported in the literature in individuals affected with POLE-related conditions. ClinVar contains an entry for this variant (Variation ID: 864320). Invitae Evidence Modeling of protein sequence and biophysical properties (such as structural, functional, and spatial information, amino acid conservation, physicochemical variation, residue mobility, and thermodynamic stability) indicates that this missense variant is expected to disrupt POLE protein function with a positive predictive value of 80%. In summary, the available evidence is currently insufficient to determine the role of this variant in disease. Therefore, it has been classified as a Variant of Uncertain Significance.

Ambry Genetics
Classification: Uncertain significance for Hereditary cancer-predisposing syndrome. Last evaluated: 2023-12-21. Review status: criteria provided, single submitter. Criteria: Ambry Variant Classification Scheme 2023. Collection method: clinical testing. Allele origin: germline.
Comment: The p.V1394F variant (also known as c.4180G>T), located in coding exon 33 of the POLE gene, results from a G to T substitution at nucleotide position 4180. The valine at codon 1394 is replaced by phenylalanine, an amino acid with highly similar properties. This amino acid position is conserved. In addition, the in silico prediction for this alteration is inconclusive. Since supporting evidence is limited at this time, the clinical significance of this alteration remains unclear.